The following is an entry in ClinVar:

NM_001374736.1(DST):c.2270G>T (p.Arg757Leu)

Gene: DST (dystonin; minus strand). Cytogenetic location: 6p12.1.
Variant type: single nucleotide variant.
Coding change: c.2270G>T on transcript NM_001374736.1 (MANE Select); coding-DNA position 2270, G replaced by T.
Protein change: p.Arg757Leu; replaces arginine 757 with leucine.
Molecular consequence: missense variant.
Genome position (GRCh38, 1-based): chr6:56,640,363, C>A on the plus strand (G>T on the coding strand, the complement: DST is on the minus strand). VCF-style: chr6-56640363-C-A. GRCh37 (hg19) VCF-style: chr6-56505161-C-A.
Other names: c.2171G>T, p.Arg724Leu (NM_001144769.5); c.1757G>T, p.Arg586Leu (NM_001144770.2); c.2270G>T, p.Arg757Leu (NM_001374722.1); c.1637G>T, p.Arg546Leu (NM_001374729.1, NM_001374730.1, NM_001386100.1 and 1 more transcripts); c.2297G>T, p.Arg766Leu (NM_001374734.1); c.659G>T, p.Arg220Leu (NM_001723.7, NM_015548.5); short protein forms R220L, R724L, R757L, R766L, R546L, R586L.
Identifiers: ClinVar variation 1787112 (VCV001787112.8), dbSNP rs765317346, ClinGen allele CA3871460.

ClinVar aggregate classification (germline): Uncertain significance. Review status: criteria provided, multiple submitters, no conflicts (2 of 4 stars). 2 submissions from 2 submitters: Uncertain significance (2). Last evaluated 2024-10-12.

Conditions:
Inborn genetic diseases. Identifiers: MedGen C0950123, MeSH D030342.
Hereditary sensory and autonomic neuropathy type 6. Also called: HSAN VI; Neuropathy, hereditary sensory and autonomic, type VI. Identifiers: Orphanet 314381, MedGen C3539003, MONDO:0013839, OMIM 614653.
Epidermolysis bullosa simplex 3, localized or generalized intermediate, with BP230 deficiency (EBS3). Also called: Epidermolysis bullosa simplex, autosomal recessive 2; Epidermolysis bullosa simplex due to BP230 deficiency. Identifiers: Orphanet 412181, MedGen C3809470, MONDO:0014180, OMIM 615425.

gnomAD v4.1: 16 of 1,613,984 alleles (0.00099%); highest among the groups gnomAD compares: Admixed American, 0.0017%; no homozygotes.

Submissions (2):

Labcorp Genetics (formerly Invitae), Labcorp
Classification: Uncertain significance for Epidermolysis bullosa simplex 3, localized or generalized intermediate, with BP230 deficiency; Hereditary sensory and autonomic neuropathy type 6. Last evaluated: 2024-10-12. Review status: criteria provided, single submitter. Criteria: Invitae Variant Classification Sherloc (09022015). Collection method: clinical testing. Allele origin: germline.
Comment: This sequence change replaces arginine, which is basic and polar, with leucine, which is neutral and non-polar, at codon 220 of the DST protein (p.Arg220Leu). This variant is present in population databases (rs765317346, gnomAD 0.003%). This variant has not been reported in the literature in individuals affected with DST-related conditions. ClinVar contains an entry for this variant (Variation ID: 1787112). An algorithm developed to predict the effect of missense changes on protein structure and function (PolyPhen-2) suggests that this variant¬¨‚Ä†is likely to be tolerated. In summary, the available evidence is currently insufficient to determine the role of this variant in disease. Therefore, it has been classified as a Variant of Uncertain Significance.

Ambry Genetics
Classification: Uncertain significance for Inborn genetic diseases. Last evaluated: 2022-02-15. Review status: criteria provided, single submitter. Criteria: Ambry Variant Classification Scheme 2023. Collection method: clinical testing. Allele origin: germline.
Comment: The p.R724L variant (also known as c.2171G>T), located in coding exon 17 of the DST gene, results from a G to T substitution at nucleotide position 2171. The arginine at codon 724 is replaced by leucine, an amino acid with dissimilar properties. This amino acid position is not well conserved in available vertebrate species. In addition, the in silico prediction for this alteration is inconclusive. Since supporting evidence is limited at this time, the clinical significance of this alteration remains unclear.